The following is an entry in ClinVar:

NC_000016.9:g.(?_23614770)_(23652488_?)dup

Gene: PALB2 (partner and localizer of BRCA2; minus strand). Cytogenetic location: 16p12.2.
Variant type: Duplication.
Identifiers: ClinVar variation 642038 (VCV000642038.3).

ClinVar aggregate classification (germline): Uncertain significance (1 of 4 stars; one submission).

Conditions:
Familial cancer of breast. Also called: hereditary breast carcinoma; BREAST CANCER, FAMILIAL; Hereditary breast cancer. Identifiers: Orphanet 227535, MedGen C0346153, MONDO:0016419, OMIM 114480. Disease mechanism: loss of function.

Submission:

Labcorp Genetics (formerly Invitae), Labcorp
Classification: Uncertain significance for Hereditary Breast Carcinoma. Last evaluated: 2019-06-19. Review status: criteria provided, single submitter. Criteria: Invitae Variant Classification Sherloc (09022015). Collection method: clinical testing. Allele origin: germline.
Comment: This variant results in a copy number gain of the genomic region encompassing the full coding sequence of the PALB2 gene. The boundaries of this event are unknown as they extend beyond the assayed region for this gene and therefore may encompass additional genes. As the precise location of this event is unknown, it may be in tandem or it may be located elsewhere in the genome. A copy number gain of the whole PALB2 has not been reported in the literature in individuals with PALB2-related conditions. In summary, the available evidence is currently insufficient to determine the role of this variant in disease. Therefore, it has been classified as a Variant of Uncertain Significance.